The following is an entry in ClinVar:

NM_205768.3(ZBTB18):c.95T>C (p.Leu32Pro)

Gene: ZBTB18 (zinc finger and BTB domain containing 18; plus strand). Cytogenetic location: 1q44.
Variant type: single nucleotide variant.
Coding change: c.95T>C on transcript NM_205768.3 (MANE Select); coding-DNA position 95, T replaced by C.
Protein change: p.Leu32Pro; replaces leucine 32 with proline.
Molecular consequence: missense variant.
Genome position (GRCh38, 1-based): chr1:244,053,869, T>C. VCF-style: chr1-244053869-T-C. GRCh37 (hg19) VCF-style: chr1-244217171-T-C.
Other names: c.68T>C, p.Leu23Pro (NM_001278196.2, NM_006352.5); c.95T>C, p.Leu32Pro (NM_001421566.1); short protein forms L23P, L32P.
Identifiers: ClinVar variation 3603205 (VCV003603205.1).
Genomic context (GRCh38, chr1:244,053,869, plus strand): 5'-TTCCAGACCATAGTAGACATTTGCTACAGTGTCTGAGCGAGCAGAGACACCAGGGTTTTC[T>C]TTGTGACTGCACTGTTCTGGTGGGAGATGCCCAGTTCCGAGCGCACCGAGCTGTACTGGC-3'
Protein context (NP_991331.1, residues 22-42): CLSEQRHQGF[Leu32Pro]CDCTVLVGDA

ClinVar aggregate classification (germline): Uncertain significance (1 of 4 stars; one submission).

Submission:

GeneDx
Classification: Uncertain significance. Last evaluated: 2024-08-05. Review status: criteria provided, single submitter. Criteria: GeneDx Variant Classification Process June 2021. Collection method: clinical testing. Allele origin: germline. Affected: yes.
Comment: Not observed at significant frequency in large population cohorts (gnomAD); In silico analysis supports that this missense variant has a deleterious effect on protein structure/function; Has not been previously published as pathogenic or benign to our knowledge